The following is an entry in ClinVar:

ClinVar aggregate classification (germline): Likely pathogenic (1 of 4 stars; one submission).

Submission:

Mayo Clinic Laboratories, Mayo Clinic
Classification: Likely pathogenic. Last evaluated: 2021-12-06. Review status: criteria provided, single submitter. Criteria: ACMG Guidelines, 2015. Collection method: clinical testing. Allele origin: germline.
Comment: PM2, PVS1

Literature cited by the submitters: PubMed 30192042.

NM_000037.4(ANK1):c.682del (p.Arg228fs)

Gene: ANK1 (ankyrin 1; minus strand). Cytogenetic location: 8p11.21.
Variant type: Deletion.
Coding change: c.682del on transcript NM_000037.4 (MANE Select); coding-DNA position 682, one base deleted (A; older notation c.682delA).
Protein change: p.Arg228fs; shifts the reading frame from arginine 228.
Molecular consequence: frameshift variant.
Genome position (GRCh38, 1-based): chr8:41,724,485, T deleted on the plus strand (A on the coding strand, the reverse complement: ANK1 is on the minus strand). VCF-style (leftmost placement, unchanged base first): chr8-41724484-CT-C. GRCh37 (hg19) VCF-style: chr8-41582002-CT-C.
Other names: c.781del, p.Arg261fs (NM_001142446.2); c.682del, p.Arg228fs (NM_020475.3, NM_020476.3, NM_020477.3); short protein forms R228fs, R261fs.
Identifiers: ClinVar variation 1705955 (VCV001705955.4), dbSNP rs2486976252, ClinGen allele CA2580078425.